The following is an entry in ClinVar:

ClinVar aggregate classification (germline): Likely benign (0 of 4 stars; one submission).

Conditions:
CUBN-related disorder. Also called: CUBN-related condition.

Allele frequency attached by ClinVar (database versions not stated): ExAC 0.00001; gnomAD 0.00001; TOPMed 0.00002.
gnomAD v4.1: 45 of 1,613,630 alleles (0.0028%); highest among the groups gnomAD compares: South Asian, 0.02%; no homozygotes.

Submission:

PreventionGenetics, part of Exact Sciences
Classification: Likely benign for CUBN-related condition. Last evaluated: 2019-05-30. Review status: no assertion criteria provided. Collection method: clinical testing. Allele origin: germline.
Comment: This variant is classified as likely benign based on ACMG/AMP sequence variant interpretation guidelines (Richards et al. 2015 PMID: 25741868, with internal and published modifications).

NM_001081.4(CUBN):c.5952G>A (p.Thr1984=)

Gene: CUBN (cubilin; minus strand). Cytogenetic location: 10p13.
Variant type: single nucleotide variant.
Coding change: c.5952G>A on transcript NM_001081.4 (MANE Select); coding-DNA position 5952, G replaced by A.
Protein change: p.Thr1984=; no amino-acid change (threonine 1984 retained).
Molecular consequence: synonymous variant.
Genome position (GRCh38, 1-based): chr10:16,933,259, C>T on the plus strand (G>A on the coding strand, the complement: CUBN is on the minus strand). VCF-style: chr10-16933259-C-T. GRCh37 (hg19) VCF-style: chr10-16975258-C-T.
Identifiers: ClinVar variation 3041321 (VCV003041321.2), dbSNP rs773526471, ClinGen allele CA5423846.